The following is an entry in ClinVar:

ClinVar aggregate classification (germline): Benign/Likely benign. Review status: criteria provided, multiple submitters, no conflicts (2 of 4 stars). 4 submissions from 4 submitters: Benign (3); Likely benign (1). Last evaluated 2026-01-26.

Conditions:
Osteogenesis imperfecta type I (OI1). Also called: Lobstein's Disease; OI, TYPE I; OSTEOGENESIS IMPERFECTA TARDA; OSTEOGENESIS IMPERFECTA WITH BLUE SCLERAE; Classic Non-deforming Osteogenesis Imperfecta with Blue Sclerae; Lobstein disease. Identifiers: Orphanet 216796, Orphanet 666, MedGen C0023931, MONDO:0008146, OMIM 166200. Disease mechanism: loss of function.

Allele frequency attached by ClinVar (database versions not stated): gnomAD exomes 0.00010 and 0.00028; 1000 Genomes Project 30x 0.00031; ExAC 0.00034; 1000 Genomes Project 0.00040; ESP Exome Variant Server 0.00108; gnomAD 0.00116 and 0.00127; TOPMed 0.00134.
gnomAD v4.1: 331 of 1,613,762 alleles (0.021%); highest among the groups gnomAD compares: African/African-American, 0.39%; 3 homozygotes.

Submissions (4):

Labcorp Genetics (formerly Invitae), Labcorp
Classification: Benign for Osteogenesis imperfecta type I. Last evaluated: 2026-01-26. Review status: criteria provided, single submitter. Criteria: Invitae Variant Classification Sherloc (09022015). Collection method: clinical testing. Allele origin: germline.

Blueprint Genetics
Classification: Benign. Last evaluated: 2024-06-27. Review status: criteria provided, single submitter. Criteria: ACMG Guidelines, 2015. Collection method: clinical testing. Allele origin: germline.

ARUP Laboratories, Molecular Genetics and Genomics, ARUP Laboratories
Classification: Benign. Last evaluated: 2023-12-05. Review status: criteria provided, single submitter. Criteria: ARUP Molecular Germline Variant Investigation Process 2024. Collection method: clinical testing. Allele origin: germline.

GeneDx
Classification: Likely benign. Last evaluated: 2017-06-01. Review status: criteria provided, single submitter. Criteria: GeneDx Variant Classification (06012015). Collection method: clinical testing. Allele origin: germline. Affected: yes.
Comment: This variant is considered likely benign or benign based on one or more of the following criteria: it is a conservative change, it occurs at a poorly conserved position in the protein, it is predicted to be benign by multiple in silico algorithms, and/or has population frequency not consistent with disease.

NM_000088.4(COL1A1):c.642+11T>C

Gene: COL1A1 (collagen type I alpha 1 chain; minus strand). Cytogenetic location: 17q21.33.
Variant type: single nucleotide variant.
Coding change: c.642+11T>C on transcript NM_000088.4 (MANE Select); 11 bases into the intron after coding-DNA position 642, T replaced by C.
Molecular consequence: intron variant.
Genome position (GRCh38, 1-based): chr17:50,197,938, A>G on the plus strand (T>C on the coding strand, the complement: COL1A1 is on the minus strand). VCF-style: chr17-50197938-A-G. GRCh37 (hg19) VCF-style: chr17-48275299-A-G.
Identifiers: ClinVar variation 516536 (VCV000516536.11), dbSNP rs376087528, ClinGen allele CA8645627.
Genomic context (GRCh38, chr17:50,197,938, plus strand): 5'-CCTGGGAGTTCTTCTATAGGAGAGTCTGTGTGTTTGTAGAAGGAGTATGAATCTGTATAG[A>G]GAGTGCTTACTGAAGCTCCAGGCTCGCCAGGCTCACCAGGGGGACCTTGGAAGCCTTGGG-3'